The following is an entry in ClinVar:

ClinVar aggregate classification (germline): Uncertain significance. Review status: criteria provided, multiple submitters, no conflicts (2 of 4 stars). 3 submissions from 3 submitters: Uncertain significance (3). Last evaluated 2023-04-11.

Conditions:
Osteogenesis imperfecta type 8 (OI8). Identifiers: MedGen C1970458, MONDO:0012581, OMIM 610915.

Allele frequency attached by ClinVar (database versions not stated): ExAC 0.00004; gnomAD 0.00005; gnomAD exomes 0.00006; TOPMed 0.00015.
gnomAD v4.1: 49 of 1,614,096 alleles (0.003%); highest among the groups gnomAD compares: Middle Eastern, 0.016%; no homozygotes.

Submissions (4):

Genome-Nilou Lab
Classification: Uncertain significance for Osteogenesis imperfecta type 8. Last evaluated: 2023-04-11. Review status: criteria provided, single submitter. Criteria: ACMG Guidelines, 2015. Collection method: clinical testing. Allele origin: germline. Affected: no.

Labcorp Genetics (formerly Invitae), Labcorp
Classification: Uncertain significance for Osteogenesis imperfecta type 8. Last evaluated: 2022-10-21. Review status: criteria provided, single submitter. Criteria: Invitae Variant Classification Sherloc (09022015). Collection method: clinical testing. Allele origin: germline.
Comment: This sequence change affects codon 269 of the P3H1 mRNA. It is a 'silent' change, meaning that it does not change the encoded amino acid sequence of the P3H1 protein. It affects a nucleotide within the consensus splice site. This variant is present in population databases (rs750943926, gnomAD 0.009%). This variant has not been reported in the literature in individuals affected with P3H1-related conditions. ClinVar contains an entry for this variant (Variation ID: 873727). Algorithms developed to predict the effect of sequence changes on RNA splicing suggest that this variant is not likely to affect RNA splicing. In summary, the available evidence is currently insufficient to determine the role of this variant in disease. Therefore, it has been classified as a Variant of Uncertain Significance.

Illumina Laboratory Services, Illumina
Classification: Uncertain significance for Osteogenesis imperfecta type 8. Last evaluated: 2018-01-13. Review status: criteria provided, single submitter. Criteria: ICSL Variant Classification Criteria 13 December 2019. Collection method: clinical testing. Allele origin: germline.

Dr. Peter K. Rogan Lab, Western University
No classification provided (evidence only). Condition: Lung cancer. Review status: no classification provided. Collection method: in vitro. Allele origin: not applicable. Functional consequence: retained intron. Not counted in ClinVar's aggregate classification.

NM_022356.4(P3H1):c.807A>G (p.Thr269=)

Gene: P3H1 (prolyl 3-hydroxylase 1; minus strand). Cytogenetic location: 1p34.2.
Variant type: single nucleotide variant.
Coding change: c.807A>G on transcript NM_022356.4 (MANE Select); coding-DNA position 807, A replaced by G.
Protein change: p.Thr269=; no amino-acid change (threonine 269 retained).
Molecular consequence: synonymous variant.
Genome position (GRCh38, 1-based): chr1:42,759,202, T>C on the plus strand (A>G on the coding strand, the complement: P3H1 is on the minus strand). VCF-style: chr1-42759202-T-C. GRCh37 (hg19) VCF-style: chr1-43224873-T-C.
Other names: c.807A>G, p.Thr269= (NM_001146289.2, NM_001243246.2).
Identifiers: ClinVar variation 873727 (VCV000873727.7), dbSNP rs750943926, ClinGen allele CA802075.
Genomic context (GRCh38, chr1:42,759,202, plus strand): 5'-ATGGTGACCTTAGAGTCCCAGGAGGCCTGGCTGAAGGTCTGGCTCTGAACTGCACGCACC[T>C]GTGATGGCCTGGAAGAGGTCAGCGTTGTACTCAAGGTAGTTGTAGCCATCGTAGTCATAG-3'
Protein context (NP_071751.3, residues 259-279): EYNADLFQAI[Thr269=]DHYIQVLNCK